The following is an entry in ClinVar:

ClinVar aggregate classification (germline): Uncertain significance. Review status: criteria provided, multiple submitters, no conflicts (2 of 4 stars). 2 submissions from 2 submitters: Uncertain significance (2). Last evaluated 2024-08-19.

Conditions:
Inborn genetic diseases. Identifiers: MedGen C0950123, MeSH D030342.

Allele frequency attached by ClinVar (database versions not stated): ExAC 0.00002; gnomAD 0.00003; TOPMed 0.00004; ESP Exome Variant Server 0.00008.
gnomAD v4.1: 25 of 1,611,264 alleles (0.0016%); highest among the groups gnomAD compares: African/African-American, 0.017%; no homozygotes.

Submissions (2):

Ambry Genetics
Classification: Uncertain significance for Inborn genetic diseases. Last evaluated: 2024-08-19. Review status: criteria provided, single submitter. Criteria: Ambry Variant Classification Scheme 2023. Collection method: clinical testing. Allele origin: germline.

Labcorp Genetics (formerly Invitae), Labcorp
Classification: Uncertain significance. Last evaluated: 2022-03-04. Review status: criteria provided, single submitter. Criteria: Invitae Variant Classification Sherloc (09022015). Collection method: clinical testing. Allele origin: germline.
Comment: This sequence change replaces arginine, which is basic and polar, with glutamine, which is neutral and polar, at codon 757 of the PTPN23 protein (p.Arg757Gln). This variant is present in population databases (rs374108905, gnomAD 0.01%). This variant has not been reported in the literature in individuals affected with PTPN23-related conditions. Algorithms developed to predict the effect of missense changes on protein structure and function are either unavailable or do not agree on the potential impact of this missense change (SIFT: "Tolerated"; PolyPhen-2: "Not Available"; Align-GVGD: "Class C0"). In summary, the available evidence is currently insufficient to determine the role of this variant in disease. Therefore, it has been classified as a Variant of Uncertain Significance.

NM_015466.4(PTPN23):c.2270G>A (p.Arg757Gln)

Gene: PTPN23 (protein tyrosine phosphatase non-receptor type 23; plus strand). Cytogenetic location: 3p21.31.
Variant type: single nucleotide variant.
Coding change: c.2270G>A on transcript NM_015466.4 (MANE Select); coding-DNA position 2270, G replaced by A.
Protein change: p.Arg757Gln; replaces arginine 757 with glutamine.
Molecular consequence: missense variant.
Genome position (GRCh38, 1-based): chr3:47,410,068, G>A. VCF-style: chr3-47410068-G-A. GRCh37 (hg19) VCF-style: chr3-47451558-G-A.
Other names: c.1892G>A, p.Arg631Gln (NM_001304482.2); c.2270G>A (NM_015466.2); short protein forms R757Q, R631Q.
Identifiers: ClinVar variation 2161764 (VCV002161764.2), dbSNP rs374108905, ClinGen allele CA2365996.